The following is an entry in ClinVar:

ClinVar aggregate classification (germline): Uncertain significance. Review status: criteria provided, multiple submitters, no conflicts (2 of 4 stars). 3 submissions from 3 submitters: Uncertain significance (3). Last evaluated 2025-06-19.

Allele frequency attached by ClinVar (database versions not stated): ExAC 0.00002; gnomAD 0.00002 and 0.00003; TOPMed 0.00002.
gnomAD v4.1: 43 of 1,598,322 alleles (0.0027%); highest among the groups gnomAD compares: Non-Finnish European, 0.0036%; no homozygotes.

Submissions (3):

Labcorp Genetics (formerly Invitae), Labcorp
Classification: Uncertain significance. Last evaluated: 2025-06-19. Review status: criteria provided, single submitter. Criteria: Invitae Variant Classification Sherloc (09022015). Collection method: clinical testing. Allele origin: germline.
Comment: This sequence change replaces glycine, which is neutral and non-polar, with valine, which is neutral and non-polar, at codon 448 of the MKL1 protein (p.Gly448Val). The frequency data for this variant in the population databases is considered unreliable, as metrics indicate poor data quality at this position in the gnomAD database. This variant has not been reported in the literature in individuals affected with MKL1-related conditions. ClinVar contains an entry for this variant (Variation ID: 1683063). An algorithm developed to predict the effect of missense changes on protein structure and function (PolyPhen-2) suggests that this variant is likely to be disruptive. In summary, the available evidence is currently insufficient to determine the role of this variant in disease. Therefore, it has been classified as a Variant of Uncertain Significance.

Blueprint Genetics
Classification: Uncertain significance. Last evaluated: 2024-08-27. Review status: criteria provided, single submitter. Criteria: ACMG Guidelines, 2015. Collection method: clinical testing. Allele origin: germline.

Ambry Genetics
Classification: Uncertain significance. Last evaluated: 2022-05-26. Review status: criteria provided, single submitter. Criteria: Ambry Variant Classification Scheme 2023. Collection method: clinical testing. Allele origin: germline.

NM_020831.6(MRTFA):c.1643G>T (p.Gly548Val)

Gene: MRTFA (myocardin related transcription factor A; minus strand). Cytogenetic location: 22q13.1.
Variant type: single nucleotide variant.
Coding change: c.1643G>T on transcript NM_020831.6 (MANE Select); coding-DNA position 1643, G replaced by T.
Protein change: p.Gly548Val; replaces glycine 548 with valine.
Molecular consequence: missense variant.
Genome position (GRCh38, 1-based): chr22:40,419,095, C>A on the plus strand (G>T on the coding strand, the complement: MRTFA is on the minus strand). VCF-style: chr22-40419095-C-A. GRCh37 (hg19) VCF-style: chr22-40815099-C-A.
Other names: c.1343G>T, p.Gly448Val (NM_001282660.2); c.1493G>T, p.Gly498Val (NM_001282661.3); c.1643G>T, p.Gly548Val (NM_001282662.3); c.1448G>T, p.Gly483Val (NM_001318139.2); c.1343G>T (NM_020831.3); short protein forms G448V, G483V, G498V, G548V.
Identifiers: ClinVar variation 1683063 (VCV001683063.8), dbSNP rs750617558, ClinGen allele CA10249615.